The following is an entry in ClinVar:

NM_001134363.3(RBM20):c.145C>G (p.Gln49Glu)

Gene: RBM20 (RNA binding motif protein 20; plus strand). Cytogenetic location: 10q25.2.
Variant type: single nucleotide variant.
Coding change: c.145C>G on transcript NM_001134363.3 (MANE Select); coding-DNA position 145, C replaced by G.
Protein change: p.Gln49Glu; replaces glutamine 49 with glutamic acid.
Molecular consequence: missense variant.
Genome position (GRCh38, 1-based): chr10:110,644,599, C>G. VCF-style: chr10-110644599-C-G. GRCh37 (hg19) VCF-style: chr10-112404357-C-G.
Other names: short protein forms Q49E.
Identifiers: ClinVar variation 998696 (VCV000998696.12), dbSNP rs912374533, ClinGen allele CA213903198.
Genomic context (GRCh38, chr10:110,644,599, plus strand): 5'-GCCCGGGCGTCCCCGGCACCCTCCGGCCCGCGAGGGATGCAGCAGCCGCCGCCGCCGCCC[C>G]AGCCACCGCCCCCGCCCCAAGCCGGCCTACCCCAGATCATCCAAAAGTAAGAAGGGAGAA-3'
Protein context (NP_001127835.2, residues 39-59): RGMQQPPPPP[Gln49Glu]PPPPPQAGLP

ClinVar aggregate classification (germline): Conflicting classifications of pathogenicity. Review status: criteria provided, conflicting classifications (1 of 4 stars). 3 submissions from 3 submitters: Uncertain significance (2); Benign (1). Last evaluated 2025-12-11.

Conditions:
Cardiovascular phenotype. Identifiers: MedGen CN230736.
Dilated cardiomyopathy 1DD (CMD1DD). Identifiers: Orphanet 154, MedGen C2750995, MONDO:0013168, OMIM 613172.

Allele frequency attached by ClinVar (database versions not stated): gnomAD 0.00001; TOPMed 0.00002.

Submissions (3):

Ambry Genetics
Classification: Uncertain significance for Cardiovascular phenotype. Last evaluated: 2025-12-11. Review status: criteria provided, single submitter. Criteria: Ambry Variant Classification Scheme 2023. Collection method: clinical testing. Allele origin: germline.
Comment: The p.Q49E variant (also known as c.145C>G), located in coding exon 1 of the RBM20 gene, results from a C to G substitution at nucleotide position 145. The glutamine at codon 49 is replaced by glutamic acid, an amino acid with highly similar properties. This amino acid position is not well conserved in available vertebrate species. In addition, this alteration is predicted to be tolerated by in silico analysis. Since supporting evidence is limited at this time, the clinical significance of this alteration remains unclear.

GeneDx
Classification: Uncertain significance. Last evaluated: 2025-03-22. Review status: criteria provided, single submitter. Criteria: GeneDx Variant Classification Process June 2021. Collection method: clinical testing. Allele origin: germline. Affected: yes.
Comment: Not observed at significant frequency in large population cohorts (gnomAD); In silico analysis indicates that this missense variant does not alter protein structure/function; Has not been previously published as pathogenic or benign to our knowledge

Labcorp Genetics (formerly Invitae), Labcorp
Classification: Benign for Dilated cardiomyopathy 1DD. Last evaluated: 2024-10-20. Review status: criteria provided, single submitter. Criteria: Invitae Variant Classification Sherloc (09022015). Collection method: clinical testing. Allele origin: germline.